The following is an entry in ClinVar:

ClinVar aggregate classification (germline): Conflicting classifications of pathogenicity. Review status: criteria provided, conflicting classifications (1 of 4 stars). 31 submissions from 31 submitters: Pathogenic (27); Uncertain significance (1). 3 of the submissions do not count toward it. Last evaluated 2026-07-17.

Conditions:
ATP7B-related disorder. Also called: ATP7B-related condition.
Inborn genetic diseases. Identifiers: MedGen C0950123, MeSH D030342.
Wilson disease (WND). Also called: Wilson's disease. Identifiers: Orphanet 905, MedGen C0019202, MONDO:0010200, OMIM 277900. Disease mechanism: loss of function.

Allele frequency attached by ClinVar (database versions not stated): TOPMed 0.00030; gnomAD 0.00003.
gnomAD v4.1: 231 of 1,614,122 alleles (0.014%); highest among the groups gnomAD compares: Admixed American, 0.13%; 1 homozygote.

Submissions 1 to 10 of 31:

PreventionGenetics, part of Exact Sciences
Classification: Pathogenic for ATP7B-related condition. Last evaluated: 2026-07-17. Review status: criteria provided, single submitter. Criteria: ACMG Guidelines, 2015. Collection method: clinical testing. Allele origin: germline.
Comment: The ATP7B c.3809A>G variant is predicted to result in the amino acid substitution p.Asn1270Ser. This variant has been repeatedly documented as causative for Wilson disease (see for example, Tanzi et al. 1993. PubMed ID: 8298641; Yoo et al. 2002. PubMed ID: 12544487; Zhang et al. 2013. PubMed ID: 23235335). Functional studies suggest that this variant alters normal protein function (Table S1, Schushan et al. 2012. PubMed ID: 22692182). This variant is reported in 0.085% of alleles in individuals of Latino descent in gnomAD. This variant is interpreted as pathogenic.

Labcorp Genetics (formerly Invitae), Labcorp
Classification: Pathogenic for Wilson disease. Last evaluated: 2026-02-03. Review status: criteria provided, single submitter. Criteria: Invitae Variant Classification Sherloc (09022015). Collection method: clinical testing. Allele origin: germline.
Comment: This sequence change replaces asparagine, which is neutral and polar, with serine, which is neutral and polar, at codon 1270 of the ATP7B protein (p.Asn1270Ser). This variant is present in population databases (rs121907990, gnomAD 0.08%). This missense change has been observed in individuals with Wilson disease (PMID: 20485189, 26269689, 27398169). It has also been observed to segregate with disease in related individuals. ClinVar contains an entry for this variant (Variation ID: 3859). Invitae Evidence Modeling of protein sequence and biophysical properties (such as structural, functional, and spatial information, amino acid conservation, physicochemical variation, residue mobility, and thermodynamic stability) indicates that this missense variant is expected to disrupt ATP7B protein function with a positive predictive value of 80%. Experimental studies have shown that this missense change affects ATP7B function (PMID: 9654149, 22240481). For these reasons, this variant has been classified as Pathogenic.

3billion
Classification: Pathogenic for Wilson disease. Last evaluated: 2026-01-28. Review status: criteria provided, single submitter. Criteria: ACMG Guidelines, 2015. Collection method: clinical testing. Allele origin: germline. Affected: yes.
Comment: The variant is observed at an extremely low frequency in the gnomAD v4.1.0 dataset (total allele frequency: 0.014%). Predicted Consequence/Location: Missense variant In silico tool predictions suggest damaging effect of the variant on gene or gene product [REVEL: 0.90 (>=0.6, sensitivity 0.68 and specificity 0.92); 3Cnet: 0.98 (> 0.75, sensitivity 0.96 and precision 0.92)]. The same nucleotide change resulting in the same amino acid change has been previously reported as pathogenic/likely pathogenic with strong evidence (ClinVar ID: VCV000003859 /PMID: 8298641 /3billion dataset). The variant has been reported to be in trans with a pathogenic variant as either compound heterozygous or homozygous in at least 2 similarly affected unrelated individuals (PMID: 12544487, 29540233). Different missense changes at the same codon (p.Asn1270Asp, p.Asn1270Ile, p.Asn1270Thr) have been reported as pathogenic/likely pathogenic with strong evidence (ClinVar ID: VCV001685251 /PMID: 18286826, 26819605, 29321352). Therefore, this variant is classified as Pathogenic according to the recommendation of ACMG/AMP guideline.

Genesolutions, Medical Genetics Institutes, Ho Chi Minh City, Vietnam
Classification: Pathogenic for Wilson disease. Last evaluated: 2025-09-24. Review status: criteria provided, single submitter. Criteria: ACMG Guidelines, 2015. Collection method: clinical testing. Allele origin: germline. Affected: yes.

Natera, Inc.
Classification: Pathogenic for Wilson disease. Last evaluated: 2025-09-08. Review status: criteria provided, single submitter. Criteria: Natera Variant Classification Schema (03/2026). Collection method: clinical testing. Allele origin: germline.
Comment: The c.3809A>G variant in ATP7B is a missense variant predicted to cause substitution of asparagine to serine at amino acid 1270. This variant is rare in the general population with a frequency below the threshold expected for the associated phenotype(s). This variant has been observed in at least one unaffected individual, with a zygosity that is consistent with the inheritance pattern for the associated condition (in gnomAD and/or literature). This variant has been observed in one or more individuals affected with the associated recessive disease, as either homozygous or compound heterozygous with a second variant (PMID: 34324271, 26269689, 24094725). Computational prediction algorithms indicate this variant is likely to affect gene or protein function. Given the available evidence, this variant is classified as Pathogenic.

CeGaT Center for Human Genetics Tuebingen
Classification: Pathogenic. Last evaluated: 2025-03-01. Review status: criteria provided, single submitter. Criteria: CeGaT Center For Human Genetics Tuebingen Variant Classification Criteria Version 2. Collection method: clinical testing. Allele origin: germline. Affected: yes. Observed: 6 variant alleles.
Comment: ATP7B: PM2, PM3, PM5, PP1, PP4, PS3:Supporting, PS4:Supporting

Blueprint Genetics
Classification: Pathogenic for ATP7B-related disorders. Last evaluated: 2024-09-14. Review status: criteria provided, single submitter. Criteria: ACMG Guidelines, 2015. Collection method: clinical testing. Allele origin: germline. Affected: yes. Observed: 5 variant alleles.

All of Us Research Program, National Institutes of Health
Classification: Pathogenic for Wilson disease. Last evaluated: 2024-08-23. Review status: criteria provided, single submitter. Criteria: ACMG Guidelines, 2015. Collection method: clinical testing. Allele origin: germline. Inheritance: Autosomal recessive inheritance. Observed: 23 variant alleles, 23 heterozygotes.
Comment: This missense variant replaces asparagine with serine at codon 1270 of the ATP7B protein. Computational prediction suggests that this variant may have deleterious impact on protein structure and function. This variant alters a residue in the phosphorylation domain of the ATP7B protein (a.a. 1004 - 1031 and a.a. 1197 - 1306), a highly conserved region that is considered to be important for ATP7B protein function (PMID: 35245129; ClinVar). Functional studies in Chinese hamster ovary cells have shown the mutant protein to exhibit significantly reduced copper uptake and transport, and increased phosphorylation relative to wild type (PMID: 22240481). In a separate study, this variant was unable to rescue function in a knockout ccc2 yeast model (PMID: 9654149). This variant has been reported in many individuals affected with Wilson disease (PMID: 7626145, 9311736, 9452121, 10790207, 12544487, 17587212, 18483695, 19419418, 16696937, 23235335, 23518715, 25982861, 26269689, 27398169). In a number of these individuals, this variant was confirmed to be in the homozygous state or in the compound heterozygous state with a second pathogenic variant (PMID: 10790207, 12544487, 18483695, 23518715). This variant has been identified in 55/280972 chromosomes in the general population by the Genome Aggregation Database (gnomAD). Based on the available evidence, this variant is classified as Pathogenic.

This study involves interpretation of variants in research participants for the purpose of population health screening. Participant phenotype was not available at the time of variant classification. Additional details can be found in publication PMID: 35346344, PMCID: PMC8962531

Dasa
Classification: Pathogenic. Last evaluated: 2024-05-14. Review status: criteria provided, single submitter. Criteria: DASA Assertion Criteria. Collection method: clinical testing. Allele origin: germline.
Comment: NM_000053.4(ATP7B):c.3809A>G (p.Asn1270Ser) is a missense variant that results in the substitution of asparagine with serine. This variant has been recurrently observed in individuals with related phenotype (PMID: 27022412; PMID: 29540233; PMID: 34470610; PMID: 30884209; PMID: 18156766). Segregation evidence has been reported in affected families. Multiple computational predictions support a deleterious effect on the gene or gene product. Based on the available data, this variant is classified as pathogenic.

Baylor Genetics
Classification: Pathogenic for Wilson disease. Last evaluated: 2024-03-25. Review status: criteria provided, single submitter. Criteria: ACMG Guidelines, 2015. Collection method: clinical testing. Allele origin: unknown.

NM_000053.4(ATP7B):c.3809A>G (p.Asn1270Ser)

Gene: ATP7B (ATPase copper transporting beta; minus strand). Cytogenetic location: 13q14.3.
Variant type: single nucleotide variant.
Coding change: c.3809A>G on transcript NM_000053.4 (MANE Select); coding-DNA position 3809, A replaced by G.
Protein change: p.Asn1270Ser; replaces asparagine 1270 with serine.
Molecular consequence: missense variant.
Genome position (GRCh38, 1-based): chr13:51,937,570, T>C on the plus strand (A>G on the coding strand, the complement: ATP7B is on the minus strand). VCF-style: chr13-51937570-T-C. GRCh37 (hg19) VCF-style: chr13-52511706-T-C.
Other names: N915S; c.3188A>G, p.Asn1063Ser (NM_001005918.3); c.3476A>G, p.Asn1159Ser (NM_001243182.2); c.3575A>G, p.Asn1192Ser (NM_001330578.2); c.3557A>G, p.Asn1186Ser (NM_001330579.2); short protein forms N1270S, N1186S, N1063S, N1192S, N1159S.
Identifiers: ClinVar variation 3859 (VCV000003859.104), dbSNP rs121907990, ClinGen allele CA252896.